The following is an entry in ClinVar:

ClinVar aggregate classification (germline): Conflicting classifications of pathogenicity. Review status: criteria provided, conflicting classifications (1 of 4 stars). 2 submissions from 2 submitters: Uncertain significance (1); Likely benign (1). Last evaluated 2023-11-27.

Conditions:
Idiopathic generalized epilepsy. Also called: Generalised epilepsy; EIG. Identifiers: MedGen C0270850, MONDO:0005579, OMIM 600669.
Epilepsy, idiopathic generalized, susceptibility to, 10. Identifiers: MedGen C2751603, MONDO:0013103, OMIM 613060.

Allele frequency attached by ClinVar (database versions not stated): TOPMed 0.00001.

Submissions (2):

Labcorp Genetics (formerly Invitae), Labcorp
Classification: Likely benign for Idiopathic generalized epilepsy. Last evaluated: 2023-11-27. Review status: criteria provided, single submitter. Criteria: Invitae Variant Classification Sherloc (09022015). Collection method: clinical testing. Allele origin: germline.

Center for Genomics, Ann and Robert H. Lurie Children's Hospital of Chicago
Classification: Uncertain significance for Epilepsy, idiopathic generalized, susceptibility to, 10. Last evaluated: 2021-03-30. Review status: criteria provided, single submitter. Criteria: ACMG Guidelines, 2015. Collection method: clinical testing. Allele origin: germline.
Comment: GABRD NM_000815.4 exon 6 p.Thr223= (c.669G>A): This variant has not been reported in the literature but is present in 0.02% (7/34414) of Latino alleles in the Genome Aggregation Database. This variant is present in ClinVar (Variation ID:851694). Evolutionary conservation and computational predictive tools for this variant are limited or unavailable. Of note, although this variant occurs in the exonic region, computational tools predict that it may alter splicing. However, further studies are needed to understand its impact. In summary, data on this variant is insufficient for disease classification. Therefore, the clinical significance of this variant is uncertain.

NM_000815.5(GABRD):c.669G>A (p.Thr223=)

Gene: GABRD (gamma-aminobutyric acid type A receptor subunit delta; plus strand). Cytogenetic location: 1p36.33.
Variant type: single nucleotide variant.
Coding change: c.669G>A on transcript NM_000815.5 (MANE Select); coding-DNA position 669, G replaced by A.
Protein change: p.Thr223=; no amino-acid change (threonine 223 retained).
Molecular consequence: synonymous variant.
Genome position (GRCh38, 1-based): chr1:2,028,270, G>A. VCF-style: chr1-2028270-G-A. GRCh37 (hg19) VCF-style: chr1-1959709-G-A.
Identifiers: ClinVar variation 851694 (VCV000851694.11), dbSNP rs763261978, ClinGen allele CA534736.
Genomic context (GRCh38, chr1:2,028,270, plus strand): 5'-CCACGGGCTGGACAAGCTGCAGCTGGCGCAGTTCACCATCACCAGCTACCGCTTCACCAC[G>A]GAGCTGATGAACTTCAAGTCCGGTAACATATGCCCGCCGCCCCTTCCGCATGTGCCCGCC-3'
Protein context (NP_000806.2, residues 213-233): QFTITSYRFT[Thr223=]ELMNFKSAGQ